The following is an entry in ClinVar:

ClinVar aggregate classification (germline): Uncertain significance (1 of 4 stars; one submission).

Conditions:
Emery-Dreifuss muscular dystrophy 5, autosomal dominant (EDMD5). Also called: EMERY-DREIFUSS MUSCULAR DYSTROPHY 5. Identifiers: Orphanet 261, MedGen C2751805, MONDO:0013072, OMIM 612999.

Allele frequency attached by ClinVar (database versions not stated): gnomAD 0.00001; ExAC 0.00002.
gnomAD v4.1: 43 of 1,613,958 alleles (0.0027%); highest among the groups gnomAD compares: Non-Finnish European, 0.0032%; no homozygotes.

Submission:

Labcorp Genetics (formerly Invitae), Labcorp
Classification: Uncertain significance for Emery-Dreifuss muscular dystrophy 5, autosomal dominant. Last evaluated: 2021-10-28. Review status: criteria provided, single submitter. Criteria: Invitae Variant Classification Sherloc (09022015). Collection method: clinical testing. Allele origin: germline.
Comment: In summary, the available evidence is currently insufficient to determine the role of this variant in disease. Therefore, it has been classified as a Variant of Uncertain Significance. Algorithms developed to predict the effect of missense changes on protein structure and function output the following: SIFT: "Tolerated"; PolyPhen-2: "Benign"; Align-GVGD: "Class C0". The glutamic acid amino acid residue is found in multiple mammalian species, which suggests that this missense change does not adversely affect protein function. This variant has not been reported in the literature in individuals affected with SYNE2-related conditions. This variant is present in population databases (rs775836079, gnomAD 0.003%). This sequence change replaces glycine, which is neutral and non-polar, with glutamic acid, which is acidic and polar, at codon 3960 of the SYNE2 protein (p.Gly3960Glu).

NM_182914.3(SYNE2):c.11879G>A (p.Gly3960Glu)

Gene: SYNE2 (spectrin repeat containing nuclear envelope protein 2; plus strand). Cytogenetic location: 14q23.2.
Variant type: single nucleotide variant.
Coding change: c.11879G>A on transcript NM_182914.3 (MANE Select); coding-DNA position 11879, G replaced by A.
Protein change: p.Gly3960Glu; replaces glycine 3960 with glutamic acid.
Molecular consequence: missense variant.
Genome position (GRCh38, 1-based): chr14:64,090,951, G>A. VCF-style: chr14-64090951-G-A. GRCh37 (hg19) VCF-style: chr14-64557669-G-A.
Other names: c.11879G>A, p.Gly3960Glu (NM_015180.6); short protein forms G3960E.
Identifiers: ClinVar variation 1359931 (VCV001359931.6), dbSNP rs775836079, ClinGen allele CA7221945.